The following is an entry in ClinVar:

ClinVar aggregate classification (germline): Pathogenic (1 of 4 stars; one submission).

Conditions:
Holocarboxylase synthetase deficiency. Also called: MULTIPLE CARBOXYLASE DEFICIENCY, EARLY ONSET. Identifiers: Orphanet 79242, MedGen C0268581, MONDO:0009666, OMIM 253270.

Submission:

Labcorp Genetics (formerly Invitae), Labcorp
Classification: Pathogenic for Holocarboxylase synthetase deficiency. Last evaluated: 2023-08-29. Review status: criteria provided, single submitter. Criteria: Invitae Variant Classification Sherloc (09022015). Collection method: clinical testing. Allele origin: germline.
Comment: This variant is not present in population databases (gnomAD no frequency). This sequence change creates a premature translational stop signal (p.Lys579*) in the HLCS gene. It is expected to result in an absent or disrupted protein product. Loss-of-function variants in HLCS are known to be pathogenic (PMID: 16134170). This variant has not been reported in the literature in individuals affected with HLCS-related conditions. For these reasons, this variant has been classified as Pathogenic.

Literature cited by the submitters: PubMed 16134170.

NM_001352514.2(HLCS):c.2176A>T (p.Lys726Ter)

Gene: HLCS (holocarboxylase synthetase; minus strand). Cytogenetic location: 21q22.13.
Variant type: single nucleotide variant.
Coding change: c.2176A>T on transcript NM_001352514.2 (MANE Select); coding-DNA position 2176, A replaced by T.
Protein change: p.Lys726Ter; replaces lysine 726 with a stop codon.
Molecular consequence: nonsense. On other transcripts: non-coding transcript variant (2).
Genome position (GRCh38, 1-based): chr21:36,759,787, T>A on the plus strand (A>T on the coding strand, the complement: HLCS is on the minus strand). VCF-style: chr21-36759787-T-A. GRCh37 (hg19) VCF-style: chr21-38132088-T-A.
Other names: c.1735A>T, p.Lys579Ter (NM_000411.8, NM_001242784.3, NM_001242785.2 and 4 more transcripts); short protein forms K726*, K579*.
Identifiers: ClinVar variation 2755955 (VCV002755955.3), dbSNP rs2516853374, ClinGen allele CA409919968.